The following is an entry in ClinVar:

ClinVar aggregate classification (germline): Benign (1 of 4 stars; one submission).

Conditions:
Breast-ovarian cancer, familial, susceptibility to, 2 (BROVCA2). Also called: BRCA2 Hereditary Breast and Ovarian Cancer. Identifiers: Orphanet 145, MedGen C2675520, MONDO:0012933, OMIM 612555. Disease mechanism: loss of function.

gnomAD v4.1: 38 of 975,300 alleles (0.0039%); highest among the groups gnomAD compares: Non-Finnish European, 0.0054%; no homozygotes.

Submission:

Dipartimento Di Medicina Di Precisione, Università Degli Studi Della Campania Luigi Vanvitelli
Classification: Benign for Breast-ovarian cancer, familial, susceptibility to, 2. Last evaluated: 2025-07-18. Review status: criteria provided, single submitter. Criteria: ACMG Guidelines, 2015. Collection method: clinical testing. Allele origin: germline. Affected: yes. Observed: 1 heterozygote.
Comment: The CHEK2 c.1542+74A>G variant is located deep within intron 13, 74 nucleotides downstream of the exon-intron boundary. In silico splicing prediction tools consistently predict no significant impact on splicing. Furthermore, the nucleotide change does not affect conserved regions or known regulatory elements. Taken together, these data support a likely benign interpretation.

Literature cited by the submitters: DOI 10.3390/ijms26135928.

NM_007194.4(CHEK2):c.1542+74A>G

Gene: CHEK2 (checkpoint kinase 2; minus strand). Cytogenetic location: 22q12.1.
Variant type: single nucleotide variant.
Coding change: c.1542+74A>G on transcript NM_007194.4 (MANE Select); 74 bases into the intron after coding-DNA position 1542, A replaced by G.
Molecular consequence: intron variant.
Genome position (GRCh38, 1-based): chr22:28,689,061, T>C on the plus strand (A>G on the coding strand, the complement: CHEK2 is on the minus strand). VCF-style: chr22-28689061-T-C. GRCh37 (hg19) VCF-style: chr22-29085049-T-C.
Other names: c.879+74A>G (NM_001437942.1, NM_001257387.3); c.1341+74A>G (NM_001349956.3); c.1455+74A>G (NM_145862.3); c.1548+74A>G (NM_001438295.1); c.1635+74A>G (NM_001438293.1); c.1584+74A>G (NM_001438294.1); c.1671+74A>G (NM_001005735.3).
Identifiers: ClinVar variation 4073512 (VCV004073512.1).